The following is an entry in ClinVar:

ClinVar aggregate classification (germline): Conflicting classifications of pathogenicity. Review status: criteria provided, conflicting classifications (1 of 4 stars). 6 submissions from 6 submitters: Uncertain significance (1); Likely benign (4). 1 of the submissions does not count toward it. Last evaluated 2025-11-16.

Conditions:
AMPD1-related disorder. Also called: AMPD1-related condition.
Muscle AMP deaminase deficiency (MMDD). Also called: Adenosine monophosphate deaminase 1 deficiency; AMP deaminase 1 deficiency; Adenosine Monophosphate Deaminase 1; AMPD1 DEFICIENCY; Myoadenylate deaminase deficiency, myopathy due to; ADENOSINE MONOPHOSPHATE DEAMINASE-1 DEFICIENCY, MYOPATHY DUE TO. Identifiers: Orphanet 45, MedGen C3714933, MONDO:0014220, OMIM 615511.

Allele frequency attached by ClinVar (database versions not stated): gnomAD 0.00002 and 0.00003; gnomAD exomes 0.00003; ExAC 0.00004; TOPMed 0.00005; ESP Exome Variant Server 0.00008.
gnomAD v4.1: 37 of 1,614,080 alleles (0.0023%); highest among the groups gnomAD compares: African/African-American, 0.013%; no homozygotes.

Submissions (6):

Labcorp Genetics (formerly Invitae), Labcorp
Classification: Likely benign for Muscle AMP deaminase deficiency. Last evaluated: 2025-11-16. Review status: criteria provided, single submitter. Criteria: Invitae Variant Classification Sherloc (09022015). Collection method: clinical testing. Allele origin: germline.

Laboratory of Genetics, Children's Clinical University Hospital Latvia
Classification: Likely benign. Last evaluated: 2025-02-16. Review status: criteria provided, single submitter. Criteria: ACMG Guidelines, 2015. Collection method: clinical testing. Allele origin: germline. Affected: yes.

Blueprint Genetics
Classification: Likely benign. Last evaluated: 2024-06-12. Review status: criteria provided, single submitter. Criteria: ACMG Guidelines, 2015. Collection method: clinical testing. Allele origin: germline.

CeGaT Center for Human Genetics Tuebingen
Classification: Likely benign. Last evaluated: 2022-06-01. Review status: criteria provided, single submitter. Criteria: CeGaT Center For Human Genetics Tuebingen Variant Classification Criteria Version 2. Collection method: clinical testing. Allele origin: germline. Affected: yes. Observed: 1 variant allele.
Comment: AMPD1: BP4, BP7

Eurofins Ntd Llc (ga)
Classification: Uncertain significance. Last evaluated: 2016-08-23. Review status: criteria provided, single submitter. Criteria: EGL Classification Definitions 2015. Collection method: clinical testing. Allele origin: germline. Observed: 1 variant allele, 1 heterozygote.

PreventionGenetics, part of Exact Sciences
Classification: Likely benign for AMPD1-related condition. Last evaluated: 2019-05-21. Review status: no assertion criteria provided. Collection method: clinical testing. Allele origin: germline. Not counted in ClinVar's aggregate classification.
Comment: This variant is classified as likely benign based on ACMG/AMP sequence variant interpretation guidelines (Richards et al. 2015 PMID: 25741868, with internal and published modifications).

NM_000036.3(AMPD1):c.144G>A (p.Pro48=)

Gene: AMPD1 (adenosine monophosphate deaminase 1; minus strand). Cytogenetic location: 1p13.2.
Variant type: single nucleotide variant.
Coding change: c.144G>A on transcript NM_000036.3 (MANE Select); coding-DNA position 144, G replaced by A.
Protein change: p.Pro48=; no amino-acid change (proline 48 retained).
Molecular consequence: synonymous variant.
Genome position (GRCh38, 1-based): chr1:114,688,632, C>T on the plus strand (G>A on the coding strand, the complement: AMPD1 is on the minus strand). VCF-style: chr1-114688632-C-T. GRCh37 (hg19) VCF-style: chr1-115231253-C-T.
Other names: c.243G>A (NM_000036.2); c.132G>A, p.Pro44= (NM_001172626.2).
Identifiers: ClinVar variation 290874 (VCV000290874.39), dbSNP rs145786786, ClinGen allele CA1020546.